The following is an entry in ClinVar:

ClinVar aggregate classification (germline): Likely benign (1 of 4 stars; one submission).

Allele frequency attached by ClinVar (database versions not stated): gnomAD 0.00002; TOPMed 0.00002; gnomAD exomes 0.00004; ExAC 0.00013; 1000 Genomes Project 30x 0.00021; 1000 Genomes Project 0.00026.
gnomAD v4.1: 47 of 1,206,829 alleles (0.0039%); highest among the groups gnomAD compares: Middle Eastern, 0.16%; no homozygotes.

Submission:

CeGaT Center for Human Genetics Tuebingen
Classification: Likely benign. Last evaluated: 2022-04-01. Review status: criteria provided, single submitter. Criteria: CeGaT Center For Human Genetics Tuebingen Variant Classification Criteria Version 2. Collection method: clinical testing. Allele origin: germline. Affected: yes. Observed: 1 variant allele.
Comment: CENPI: BP4, BP7

NM_001386188.2(CENPI):c.447C>T (p.Ser149=)

Gene: CENPI (centromere protein I; plus strand). Cytogenetic location: Xq22.1.
Variant type: single nucleotide variant.
Coding change: c.447C>T on transcript NM_001386188.2 (MANE Select); coding-DNA position 447, C replaced by T.
Protein change: p.Ser149=; no amino-acid change (serine 149 retained).
Molecular consequence: synonymous variant.
Genome position (GRCh38, 1-based): chrX:101,109,555, C>T. VCF-style: chrX-101109555-C-T. GRCh37 (hg19) VCF-style: chrX-100364544-C-T.
Other names: c.447C>T, p.Ser149= (NM_001318521.2, NM_001318523.1, NM_006733.3).
Identifiers: ClinVar variation 2661051 (VCV002661051.24), dbSNP rs201645922, ClinGen allele CA10471646.